The following is an entry in ClinVar:

ClinVar aggregate classification (germline): Uncertain significance (1 of 4 stars; one submission).

Conditions:
Dilated cardiomyopathy 1W (CMD1W). Identifiers: Orphanet 154, MedGen C1969639, MONDO:0012667, OMIM 611407.

gnomAD v4.1: 13 of 1,614,130 alleles (0.00081%); highest among the groups gnomAD compares: Non-Finnish European, 0.0011%; no homozygotes.

Submission:

Labcorp Genetics (formerly Invitae), Labcorp
Classification: Uncertain significance for Dilated cardiomyopathy 1W. Last evaluated: 2024-12-27. Review status: criteria provided, single submitter. Criteria: Invitae Variant Classification Sherloc (09022015). Collection method: clinical testing. Allele origin: germline.
Comment: This sequence change replaces serine, which is neutral and polar, with phenylalanine, which is neutral and non-polar, at codon 456 of the VCL protein (p.Ser456Phe). This variant is not present in population databases (gnomAD no frequency). This variant has not been reported in the literature in individuals affected with VCL-related conditions. An algorithm developed to predict the effect of missense changes on protein structure and function (PolyPhen-2) suggests that this variant is likely to be disruptive. In summary, the available evidence is currently insufficient to determine the role of this variant in disease. Therefore, it has been classified as a Variant of Uncertain Significance.

NM_014000.3(VCL):c.1367C>T (p.Ser456Phe)

Gene: VCL (vinculin; plus strand). Cytogenetic location: 10q22.2.
Variant type: single nucleotide variant.
Coding change: c.1367C>T on transcript NM_014000.3 (MANE Select); coding-DNA position 1367, C replaced by T.
Protein change: p.Ser456Phe; replaces serine 456 with phenylalanine.
Molecular consequence: missense variant.
Genome position (GRCh38, 1-based): chr10:74,094,285, C>T. VCF-style: chr10-74094285-C-T. GRCh37 (hg19) VCF-style: chr10-75854043-C-T.
Other names: c.1367C>T, p.Ser456Phe (NM_003373.4); short protein forms S456F.
Identifiers: ClinVar variation 3728146 (VCV003728146.2).